The following is an entry in ClinVar:

ClinVar aggregate classification (germline): Uncertain significance. Review status: criteria provided, multiple submitters, no conflicts (2 of 4 stars). 2 submissions from 2 submitters: Uncertain significance (2). Last evaluated 2025-11-10.

Conditions:
Hereditary cancer-predisposing syndrome. Also called: Neoplastic Syndromes, Hereditary; Hereditary Cancer Syndrome; Hereditary neoplastic syndrome; Tumor predisposition. Identifiers: Orphanet 140162, MedGen C0027672, MeSH D009386, MONDO:0015356.
EGFR-related lung cancer (EGFR). Identifiers: MedGen CN130014.

gnomAD v4.1: 6 of 1,613,772 alleles (0.00037%); highest among the groups gnomAD compares: Non-Finnish European, 0.00051%; no homozygotes.

Submissions (2):

Labcorp Genetics (formerly Invitae), Labcorp
Classification: Uncertain significance for EGFR-related lung cancer. Last evaluated: 2025-11-10. Review status: criteria provided, single submitter. Criteria: Invitae Variant Classification Sherloc (09022015). Collection method: clinical testing. Allele origin: germline.
Comment: This sequence change replaces leucine, which is neutral and non-polar, with valine, which is neutral and non-polar, at codon 666 of the EGFR protein (p.Leu666Val). This variant is present in population databases (no rsID available, gnomAD 0.0009%). This variant has not been reported in the literature in individuals affected with EGFR-related conditions. ClinVar contains an entry for this variant (Variation ID: 1059462). Invitae Evidence Modeling of protein sequence and biophysical properties (such as structural, functional, and spatial information, amino acid conservation, physicochemical variation, residue mobility, and thermodynamic stability) indicates that this missense variant is not expected to disrupt EGFR protein function with a negative predictive value of 80%. In summary, the available evidence is currently insufficient to determine the role of this variant in disease. Therefore, it has been classified as a Variant of Uncertain Significance.

Ambry Genetics
Classification: Uncertain significance for Hereditary cancer-predisposing syndrome. Last evaluated: 2025-04-01. Review status: criteria provided, single submitter. Criteria: Ambry Variant Classification Scheme 2023. Collection method: clinical testing. Allele origin: germline.
Comment: The p.L666V variant (also known as c.1996C>G), located in coding exon 17 of the EGFR gene, results from a C to G substitution at nucleotide position 1996. The leucine at codon 666 is replaced by valine, an amino acid with highly similar properties. This amino acid position is conserved. In addition, this alteration is predicted to be tolerated by in silico analysis. Based on the available evidence, the clinical significance of this variant remains unclear.

NM_005228.5(EGFR):c.1996C>G (p.Leu666Val)

Gene: EGFR (epidermal growth factor receptor; plus strand). Cytogenetic location: 7p11.2.
Variant type: single nucleotide variant.
Coding change: c.1996C>G on transcript NM_005228.5 (MANE Select); coding-DNA position 1996, C replaced by G.
Protein change: p.Leu666Val; replaces leucine 666 with valine.
Molecular consequence: missense variant.
Genome position (GRCh38, 1-based): chr7:55,173,059, C>G. VCF-style: chr7-55173059-C-G. GRCh37 (hg19) VCF-style: chr7-55240752-C-G.
Other names: c.1861C>G, p.Leu621Val (NM_001346897.2, NM_001346899.2); c.1996C>G, p.Leu666Val (NM_001346898.2); c.1837C>G, p.Leu613Val (NM_001346900.2); c.1195C>G, p.Leu399Val (NM_001346941.2); c.1996C>G (NM_005228.3); short protein forms L399V, L613V, L621V, L666V.
Identifiers: ClinVar variation 1059462 (VCV001059462.10), dbSNP rs771988878, ClinGen allele CA367583093.